The following is an entry in ClinVar:

NM_198576.4(AGRN):c.4178C>T (p.Thr1393Met)

Gene: AGRN (agrin; plus strand). Cytogenetic location: 1p36.33.
Variant type: single nucleotide variant.
Coding change: c.4178C>T on transcript NM_198576.4 (MANE Select); coding-DNA position 4178, C replaced by T.
Protein change: p.Thr1393Met; replaces threonine 1393 with methionine.
Molecular consequence: missense variant.
Genome position (GRCh38, 1-based): chr1:1,048,939, C>T. VCF-style: chr1-1048939-C-T. GRCh37 (hg19) VCF-style: chr1-984319-C-T.
Other names: c.4178C>T (NM_198576.3); c.4178C>T, p.Thr1393Met (NM_001305275.2); c.3863C>T, p.Thr1288Met (NM_001364727.2); short protein forms T1288M, T1393M.
Identifiers: ClinVar variation 1055739 (VCV001055739.10), dbSNP rs766462843, ClinGen allele CA509347.

ClinVar aggregate classification (germline): Uncertain significance. Review status: criteria provided, multiple submitters, no conflicts (2 of 4 stars). 3 submissions from 3 submitters: Uncertain significance (3). Last evaluated 2026-01-04.

Conditions:
AGRN-related disorder. Also called: AGRN-related condition.
Congenital myasthenic syndrome 8. Also called: MYASTHENIC SYNDROME, CONGENITAL, DUE TO AGRIN DEFICIENCY; Myasthenic syndrome, congenital, 8, with pre- and postsynaptic defects. Identifiers: Orphanet 590, MedGen C3808739, MONDO:0014052, OMIM 615120.

Allele frequency attached by ClinVar (database versions not stated): gnomAD exomes 0.00005 and 0.00008; TOPMed 0.00005; gnomAD 0.00009.
gnomAD v4.1: 122 of 1,565,556 alleles (0.0078%); highest among the groups gnomAD compares: African/African-American, 0.0095%; no homozygotes.

Submissions (3):

Labcorp Genetics (formerly Invitae), Labcorp
Classification: Uncertain significance for Congenital myasthenic syndrome 8. Last evaluated: 2026-01-04. Review status: criteria provided, single submitter. Criteria: Invitae Variant Classification Sherloc (09022015). Collection method: clinical testing. Allele origin: germline.
Comment: This sequence change replaces threonine, which is neutral and polar, with methionine, which is neutral and non-polar, at codon 1393 of the AGRN protein (p.Thr1393Met). The frequency data for this variant in the population databases is considered unreliable, as metrics indicate poor data quality at this position in the gnomAD database. This variant has not been reported in the literature in individuals affected with AGRN-related conditions. ClinVar contains an entry for this variant (Variation ID: 1055739). An algorithm developed to predict the effect of missense changes on protein structure and function (PolyPhen-2) suggests that this variant is likely to be disruptive. In summary, the available evidence is currently insufficient to determine the role of this variant in disease. Therefore, it has been classified as a Variant of Uncertain Significance.

PreventionGenetics, part of Exact Sciences
Classification: Uncertain significance for AGRN-related condition. Last evaluated: 2025-11-17. Review status: criteria provided, single submitter. Criteria: ACMG Guidelines, 2015. Collection method: clinical testing. Allele origin: germline.
Comment: The AGRN c.4178C>T variant is predicted to result in the amino acid substitution p.Thr1393Met. To our knowledge, this variant has not been reported in the literature. This variant is reported in 0.014% of alleles in individuals of Latino descent in gnomAD. At this time, the clinical significance of this variant is uncertain due to the absence of conclusive functional and genetic evidence.

Revvity Omics, Revvity
Classification: Uncertain significance for Congenital myasthenic syndrome 8. Last evaluated: 2023-04-25. Review status: criteria provided, single submitter. Criteria: ACMG Guidelines, 2015. Collection method: clinical testing. Allele origin: germline.